The following is an entry in ClinVar:

ClinVar aggregate classification (germline): Likely benign (1 of 4 stars; one submission).

gnomAD v4.1: 193 of 1,611,644 alleles (0.012%); highest among the groups gnomAD compares: South Asian, 0.024%; 1 homozygote.

Submission:

CeGaT Center for Human Genetics Tuebingen
Classification: Likely benign. Last evaluated: 2026-08-01. Review status: criteria provided, single submitter. Criteria: CeGaT Center For Human Genetics Tuebingen Variant Classification Criteria Version 2. Collection method: clinical testing. Allele origin: germline. Affected: yes. Observed: 2 variant alleles.
Comment: SNAPC4: BP4, BP7

NM_003086.4(SNAPC4):c.4023C>T (p.Ala1341=)

Gene: SNAPC4 (small nuclear RNA activating complex polypeptide 4; minus strand). Cytogenetic location: 9q34.3.
Variant type: single nucleotide variant.
Coding change: c.4023C>T on transcript NM_003086.4 (MANE Select); coding-DNA position 4023, C replaced by T.
Protein change: p.Ala1341=; no amino-acid change (alanine 1341 retained).
Molecular consequence: synonymous variant.
Genome position (GRCh38, 1-based): chr9:136,377,804, G>A on the plus strand (C>T on the coding strand, the complement: SNAPC4 is on the minus strand). VCF-style: chr9-136377804-G-A. GRCh37 (hg19) VCF-style: chr9-139272256-G-A.
Other names: c.4023C>T, p.Ala1341= (NM_001394201.1); c.3939C>T, p.Ala1313= (NM_001394202.1, NM_001394203.1).
Identifiers: ClinVar variation 3905041 (VCV003905041.10).